The following is an entry in ClinVar:

ClinVar aggregate classification (germline): Uncertain significance (1 of 4 stars; one submission).

gnomAD v4.1: 2 of 1,499,780 alleles (0.00013%); highest among the groups gnomAD compares: East Asian, 0.0055%; no homozygotes.

Submission:

Ambry Genetics
Classification: Uncertain significance. Last evaluated: 2025-03-05. Review status: criteria provided, single submitter. Criteria: Ambry Variant Classification Scheme 2023. Collection method: clinical testing. Allele origin: germline.
Comment: The p.P94S variant (also known as c.280C>T), located in coding exon 1 of the PALLD gene, results from a C to T substitution at nucleotide position 280. The proline at codon 94 is replaced by serine, an amino acid with similar properties. This amino acid position is conserved. In addition, this alteration is predicted to be tolerated by in silico analysis. Based on the available evidence, the clinical significance of this variant remains unclear.

NM_001166108.2(PALLD):c.1965-12751C>T

Gene: PALLD (palladin, cytoskeletal associated protein; plus strand). Cytogenetic location: 4q32.3.
Variant type: single nucleotide variant.
Coding change: c.1965-12751C>T on transcript NM_001166108.2 (MANE Select); 12751 bases into the intron before coding-DNA position 1965, C replaced by T.
Molecular consequence: intron variant. On other transcripts: missense variant (1).
Genome position (GRCh38, 1-based): chr4:168,878,171, C>T. VCF-style: chr4-168878171-C-T. GRCh37 (hg19) VCF-style: chr4-169799322-C-T.
Other names: c.280C>T, p.Pro94Ser (NM_001166110.2); c.1965-12751C>T (NM_016081.4); c.819-12751C>T (NM_001166109.2); c.-157-12751C>T (NM_001367570.1, NM_001367568.1, NM_001367567.1 and 1 more transcripts); short protein forms P94S.
Identifiers: ClinVar variation 3885254 (VCV003885254.1).